The following is an entry in ClinVar:

ClinVar aggregate classification (germline): Uncertain significance (1 of 4 stars; one submission).

Conditions:
Cardiovascular phenotype. Identifiers: MedGen CN230736.

Allele frequency attached by ClinVar (database versions not stated): gnomAD exomes below 0.00001; ExAC 0.00001.
gnomAD v4.1: 1 of 1,612,538 alleles (0.000062%); highest among the groups gnomAD compares: South Asian, 0.0011%; no homozygotes.

Submission:

Ambry Genetics
Classification: Uncertain significance for Cardiovascular phenotype. Last evaluated: 2021-11-24. Review status: criteria provided, single submitter. Criteria: Ambry Variant Classification Scheme 2023. Collection method: clinical testing. Allele origin: germline.
Comment: The p.K233E variant (also known as c.697A>G), located in coding exon 6 of the SCN10A gene, results from an A to G substitution at nucleotide position 697. The lysine at codon 233 is replaced by glutamic acid, an amino acid with similar properties. This amino acid position is conserved. In addition, this alteration is predicted to be deleterious by in silico analysis. Since supporting evidence is limited at this time, the clinical significance of this alteration remains unclear.

NM_006514.4(SCN10A):c.697A>G (p.Lys233Glu)

Gene: SCN10A (sodium voltage-gated channel alpha subunit 10; minus strand). Cytogenetic location: 3p22.2.
Variant type: single nucleotide variant.
Coding change: c.697A>G on transcript NM_006514.4 (MANE Select); coding-DNA position 697, A replaced by G.
Protein change: p.Lys233Glu; replaces lysine 233 with glutamic acid.
Molecular consequence: missense variant.
Genome position (GRCh38, 1-based): chr3:38,761,378, T>C on the plus strand (A>G on the coding strand, the complement: SCN10A is on the minus strand). VCF-style: chr3-38761378-T-C. GRCh37 (hg19) VCF-style: chr3-38802869-T-C.
Other names: c.697A>G, p.Lys233Glu (NM_001293306.2, NM_001293307.2); short protein forms K233E.
Identifiers: ClinVar variation 1756413 (VCV001756413.2), dbSNP rs772316620, ClinGen allele CA2321091.